The following is an entry in ClinVar:

ClinVar aggregate classification (germline): Pathogenic (1 of 4 stars; one submission).

Submission:

GeneDx
Classification: Pathogenic. Last evaluated: 2022-01-15. Review status: criteria provided, single submitter. Criteria: GeneDx Variant Classification Process June 2021. Collection method: clinical testing. Allele origin: germline. Affected: yes.
Comment: Frameshift variant predicted to result in protein truncation as the last 138 amino acids are replaced with 80 different amino acids, although loss-of-function variants have not been reported downstream of this position in the protein; Not observed at significant frequency in large population cohorts (gnomAD); This variant is associated with the following publications: (PMID: 33513338)

NM_002971.6(SATB1):c.1877del (p.Pro626fs)

Gene: SATB1 (SATB homeobox 1; minus strand). Cytogenetic location: 3p24.3.
Variant type: Deletion.
Coding change: c.1877del on transcript NM_002971.6 (MANE Select); coding-DNA position 1877, one base deleted (C; older notation c.1877delC).
Protein change: p.Pro626fs; shifts the reading frame from proline 626.
Molecular consequence: frameshift variant.
Genome position (GRCh38, 1-based): chr3:18,349,585, G deleted on the plus strand (C on the coding strand, the reverse complement: SATB1 is on the minus strand); the first of 6 consecutive G bases (chr3:18,349,585-18,349,590); deleting any one gives the same sequence. VCF-style (leftmost placement, unchanged base first): chr3-18349584-TG-T. GRCh37 (hg19) VCF-style: chr3-18391076-TG-T.
Other names: c.1877del, p.Pro626fs (NM_001131010.4, NM_001322872.2, NM_001322873.2 and 2 more transcripts); c.1973del, p.Pro658fs (NM_001195470.3, NM_001322871.2); c.1661del, p.Pro554fs (NM_001322876.2); short protein forms P554fs, P626fs, P658fs.
Identifiers: ClinVar variation 1335825 (VCV001335825.2), dbSNP rs773446481, ClinGen allele CA432820810.